The following is an entry in ClinVar:

NM_014112.5(TRPS1):c.2812A>C (p.Lys938Gln)

Gene: TRPS1 (transcriptional repressor GATA binding 1; minus strand). Cytogenetic location: 8q23.3.
Variant type: single nucleotide variant.
Coding change: c.2812A>C on transcript NM_014112.5 (MANE Select); coding-DNA position 2812, A replaced by C.
Protein change: p.Lys938Gln; replaces lysine 938 with glutamine.
Molecular consequence: missense variant.
Genome position (GRCh38, 1-based): chr8:115,418,341, T>G on the plus strand (A>C on the coding strand, the complement: TRPS1 is on the minus strand). VCF-style: chr8-115418341-T-G. GRCh37 (hg19) VCF-style: chr8-116430569-T-G.
Other names: c.2785A>C, p.Lys929Gln (NM_001282902.3); c.2791A>C, p.Lys931Gln (NM_001282903.3); c.2773A>C, p.Lys925Gln (NM_001330599.2); short protein forms K925Q, K929Q, K931Q, K938Q.
Identifiers: ClinVar variation 3758989 (VCV003758989.2).

ClinVar aggregate classification (germline): Likely pathogenic (1 of 4 stars; one submission).

Conditions:
Trichorhinophalangeal dysplasia type I (TRPS1). Also called: TRICHORHINOPHALANGEAL SYNDROME, TYPE I; TRPS I. Identifiers: Orphanet 77258, MedGen C0432233, MONDO:0008596, OMIM 190350.
Trichorhinophalangeal syndrome, type III (TRPS3). Also called: SUGIO-KAJII SYNDROME. Identifiers: Orphanet 77258, MedGen C1860823, OMIM 190351, MONDO:0008597.

Submission:

Labcorp Genetics (formerly Invitae), Labcorp
Classification: Likely pathogenic for Trichorhinophalangeal syndrome, type III; Trichorhinophalangeal dysplasia type I. Last evaluated: 2025-02-13. Review status: criteria provided, single submitter. Criteria: Invitae Variant Classification Sherloc (09022015). Collection method: clinical testing. Allele origin: germline.
Comment: This sequence change replaces lysine, which is basic and polar, with glutamine, which is neutral and polar, at codon 938 of the TRPS1 protein (p.Lys938Gln). This variant is not present in population databases (gnomAD no frequency). This missense change has been observed in individual(s) with trichorhinophalangeal dysplasia (internal data). In at least one individual the variant was observed to be de novo. Invitae Evidence Modeling of protein sequence and biophysical properties (such as structural, functional, and spatial information, amino acid conservation, physicochemical variation, residue mobility, and thermodynamic stability) has been performed for this missense variant. However, the output from this modeling did not meet the statistical confidence thresholds required to predict the impact of this variant on TRPS1 protein function. In summary, the currently available evidence indicates that the variant is pathogenic, but additional data are needed to prove that conclusively. Therefore, this variant has been classified as Likely Pathogenic.